The following is an entry in ClinVar:

NM_000719.7(CACNA1C):c.6116C>T (p.Ala2039Val)

Genes: CACNA1C (calcium voltage-gated channel subunit alpha1 C; plus strand), CACNA1C-AS1 (CACNA1C antisense RNA 1; minus strand). Cytogenetic location: 12p13.33.
Variant type: single nucleotide variant.
Coding change: c.6116C>T on transcript NM_000719.7 (MANE Select); coding-DNA position 6116, C replaced by T.
Protein change: p.Ala2039Val; replaces alanine 2039 with valine.
Molecular consequence: missense variant.
Genome position (GRCh38, 1-based): chr12:2,688,778, C>T. VCF-style: chr12-2688778-C-T. GRCh37 (hg19) VCF-style: chr12-2797944-C-T.
Other names: c.6260C>T, p.Ala2087Val (NM_001129827.2); c.6239C>T, p.Ala2080Val (NM_001129829.2); c.6221C>T, p.Ala2074Val (NM_001129830.3, NM_001167624.3); c.6200C>T, p.Ala2067Val (NM_001129831.2); c.6176C>T, p.Ala2059Val (NM_001129832.2); c.6173C>T, p.Ala2058Val (NM_001129833.2, NM_001129834.2, NM_001129835.2); c.6167C>T, p.Ala2056Val (NM_001129836.2); c.6140C>T, p.Ala2047Val (NM_001129837.2, NM_001129838.2); and 6 more; short protein forms A2058V, A2067V, A2056V, A2080V, A2099V, A2028V, A2036V, A2039V.
Identifiers: ClinVar variation 3702580 (VCV003702580.2).
Genomic context (GRCh38, chr12:2,688,778, plus strand): 5'-CCAGCCAGGCTGGGGCCCCAGGGAGGCAGTTCCACGGCAGTGCCAGCAGCCTGGTGGAAG[C>T]GGTAGGTGACTCGCAGATGGGCAGGGGGGAGAGGCCACGGGCAACAAGGGGACTTGGCAT-3'
Protein context (NP_000710.5, residues 2029-2049): FHGSASSLVE[Ala2039Val]VLISEGLGQF

ClinVar aggregate classification (germline): Uncertain significance (1 of 4 stars; one submission).

Conditions:
Long QT syndrome (LQTS). Identifiers: MedGen C0023976, MeSH D008133, MONDO:0002442. Disease mechanism: loss of function. Inheritance: Various modes of inheritance.

gnomAD v4.1: 7 of 1,518,952 alleles (0.00046%); highest among the groups gnomAD compares: African/African-American, 0.0028%; no homozygotes.

Submission:

Labcorp Genetics (formerly Invitae), Labcorp
Classification: Uncertain significance for Long QT syndrome. Last evaluated: 2025-05-15. Review status: criteria provided, single submitter. Criteria: Invitae Variant Classification Sherloc (09022015). Collection method: clinical testing. Allele origin: germline.
Comment: This sequence change replaces alanine, which is neutral and non-polar, with valine, which is neutral and non-polar, at codon 2039 of the CACNA1C protein (p.Ala2039Val). This variant is not present in population databases (gnomAD no frequency). This variant has not been reported in the literature in individuals affected with CACNA1C-related conditions. ClinVar contains an entry for this variant (Variation ID: 3702580). An algorithm developed to predict the effect of missense changes on protein structure and function (PolyPhen-2) suggests that this variant is likely to be disruptive. In summary, the available evidence is currently insufficient to determine the role of this variant in disease. Therefore, it has been classified as a Variant of Uncertain Significance.